The following is an entry in ClinVar:

NM_004990.4(MARS1):c.2204+6T>C

Gene: MARS1 (methionyl-tRNA synthetase 1; plus strand). Cytogenetic location: 12q13.3.
Variant type: single nucleotide variant.
Coding change: c.2204+6T>C on transcript NM_004990.4 (MANE Select); 6 bases into the intron after coding-DNA position 2204, T replaced by C.
Molecular consequence: intron variant.
Genome position (GRCh38, 1-based): chr12:57,515,064, T>C. VCF-style: chr12-57515064-T-C. GRCh37 (hg19) VCF-style: chr12-57908847-T-C.
Identifiers: ClinVar variation 2033117 (VCV002033117.4), dbSNP rs2540319140, ClinGen allele CA2580086551.
Genomic context (GRCh38, chr12:57,515,064, plus strand): 5'-AATATATTCAGGTGAATGAGCCCTGGAAGCGGATTAAAGGCAGTGAGGCTGACAGGTAGG[T>C]AAGCGGGGAGGGTTGGCTAAAGGCATAAAGTGGCTTGTAAGCTGTATCCTCCTGGAGGTC-3'

ClinVar aggregate classification (germline): Uncertain significance (1 of 4 stars; one submission).

Conditions:
Severe early-onset pulmonary alveolar proteinosis due to MARS deficiency. Also called: PULMONARY ALVEOLAR PROTEINOSIS, REUNION ISLAND; Interstitial lung and liver disease. Identifiers: Orphanet 440427, MedGen C4225400, MONDO:0014206, OMIM 615486.
Charcot-Marie-Tooth disease axonal type 2U. Also called: CHARCOT-MARIE-TOOTH NEUROPATHY, TYPE 2U; CHARCOT-MARIE-TOOTH DISEASE, AXONAL, AUTOSOMAL DOMINANT, TYPE 2U. Identifiers: Orphanet 397735, MedGen C4084821, MONDO:0014566, OMIM 616280.

Submission:

Labcorp Genetics (formerly Invitae), Labcorp
Classification: Uncertain significance for Charcot-Marie-Tooth disease axonal type 2U; Severe early-onset pulmonary alveolar proteinosis due to MARS deficiency. Last evaluated: 2022-09-28. Review status: criteria provided, single submitter. Criteria: Invitae Variant Classification Sherloc (09022015). Collection method: clinical testing. Allele origin: germline.
Comment: Variants that disrupt the consensus splice site are a relatively common cause of aberrant splicing (PMID: 17576681, 9536098). Algorithms developed to predict the effect of sequence changes on RNA splicing suggest that this variant may disrupt the consensus splice site. This variant has not been reported in the literature in individuals affected with MARS-related conditions. This variant is not present in population databases (gnomAD no frequency). This sequence change falls in intron 17 of the MARS gene. It does not directly change the encoded amino acid sequence of the MARS protein. It affects a nucleotide within the consensus splice site. In summary, the available evidence is currently insufficient to determine the role of this variant in disease. Therefore, it has been classified as a Variant of Uncertain Significance.

Literature cited by the submitters: PubMed 17576681; PubMed 9536098.